The following is an entry in ClinVar:

ClinVar aggregate classification (germline): Uncertain significance (1 of 4 stars; one submission).

Submission:

Labcorp Genetics (formerly Invitae), Labcorp
Classification: Uncertain significance. Last evaluated: 2022-10-05. Review status: criteria provided, single submitter. Criteria: Invitae Variant Classification Sherloc (09022015). Collection method: clinical testing. Allele origin: germline.
Comment: A copy number gain of the genomic region encompassing the full coding sequence of the FAT4 gene has been identified. The boundaries of this event are unknown as they extend beyond the assayed region for this gene and therefore may encompass additional genes. As the precise location of this event is unknown, it may be in tandem or it may be located elsewhere in the genome. This variant has not been reported in the literature in individuals affected with FAT4-related conditions. Experimental studies and prediction algorithms are not available or were not evaluated, and the functional significance of this variant is currently unknown. In summary, the available evidence is currently insufficient to determine the role of this variant in disease. Therefore, it has been classified as a Variant of Uncertain Significance.

NC_000004.11:g.(?_126237567)_(126412923_?)dup

Gene: FAT4 (FAT atypical cadherin 4; plus strand). Cytogenetic location: 4q28.1.
Variant type: Duplication.
Identifiers: ClinVar variation 2426837 (VCV002426837.2).